The following is an entry in ClinVar:

ClinVar aggregate classification (germline): Pathogenic (1 of 4 stars; one submission).

Conditions:
Glycine encephalopathy. Also called: Nonketotic hyperglycinemia; Non-ketotic hyperglycinemia. Identifiers: Orphanet 407, MedGen C0751748, MONDO:0011612, HP:0008288.

Submission:

Natera, Inc.
Classification: Pathogenic for Non-ketotic hyperglycinemia. Last evaluated: 2025-04-15. Review status: criteria provided, single submitter. Criteria: Natera Variant Classification Schema (03/2026). Collection method: clinical testing. Allele origin: germline.
Comment: The c.2457+1G>A variant in GLDC is a canonical splice donor site variant predicted to affect pre-mRNA splicing, which may result in an abnormal transcript and altered protein product. This variant is expected to result in nonsense mediated decay, truncation, or a dysfunctional protein product. This variant is rare in the general population with a frequency below the threshold expected for the associated phenotype(s). Another variant at this same site results in an alteration predicted to cause a similar molecular effect has been observed in individual(s) with the associated phenotype. Given the available evidence, this variant is classified as Pathogenic.

NM_000170.3(GLDC):c.2457+1G>A

Gene: GLDC (glycine decarboxylase; minus strand). Cytogenetic location: 9p24.1.
Variant type: single nucleotide variant.
Coding change: c.2457+1G>A on transcript NM_000170.3 (MANE Select); the canonical splice donor site of the intron after coding-DNA position 2457, G replaced by A.
Molecular consequence: splice donor variant.
Genome position (GRCh38, 1-based): chr9:6,553,367, C>T on the plus strand (G>A on the coding strand, the complement: GLDC is on the minus strand). VCF-style: chr9-6553367-C-T. GRCh37 (hg19) VCF-style: chr9-6553367-C-T.
Identifiers: ClinVar variation 4068658 (VCV004068658.2).